The following is an entry in ClinVar:

ClinVar aggregate classification (germline): Benign/Likely benign. Review status: criteria provided, multiple submitters, no conflicts (2 of 4 stars). 10 submissions from 9 submitters: Benign (7); Likely benign (3). Last evaluated 2026-02-04.

Conditions:
Hereditary cancer-predisposing syndrome. Also called: Tumor predisposition; Hereditary neoplastic syndrome; Neoplastic Syndromes, Hereditary; Hereditary Cancer Syndrome. Identifiers: Orphanet 140162, MedGen C0027672, MeSH D009386, MONDO:0015356.
Familial cutaneous telangiectasia and oropharyngeal predisposition cancer syndrome. Identifiers: Orphanet 313846, MedGen C3281203, MONDO:0013806, OMIM 614564.
Seckel syndrome 1 (SCKL1). Also called: MICROCEPHALIC PRIMORDIAL DWARFISM I. Identifiers: Orphanet 808, MedGen C4551474, MONDO:0008869, OMIM 210600.

Allele frequency attached by ClinVar (database versions not stated): 1000 Genomes Project 0.06689; TOPMed 0.06690; 1000 Genomes Project 30x 0.06933; gnomAD 0.07623 and 0.07904; ESP Exome Variant Server 0.07681; gnomAD exomes 0.09215 and 0.10835; ExAC 0.09416.
gnomAD v4.1: 169,711 of 1,613,800 alleles (11%); highest among the groups gnomAD compares: South Asian, 16%; 10,072 homozygotes.

Submissions (10):

Labcorp Genetics (formerly Invitae), Labcorp
Classification: Benign. Last evaluated: 2026-02-04. Review status: criteria provided, single submitter. Criteria: Invitae Variant Classification Sherloc (09022015). Collection method: clinical testing. Allele origin: germline.

GeneKor MSA
Classification: Benign for Hereditary cancer-predisposing syndrome. Last evaluated: 2025-07-10. Review status: criteria provided, single submitter. Criteria: ACMG Guidelines, 2015. Collection method: clinical testing. Allele origin: germline.

Blueprint Genetics
Classification: Likely benign. Last evaluated: 2024-11-26. Review status: criteria provided, single submitter. Criteria: ACMG Guidelines, 2015. Collection method: clinical testing. Allele origin: germline.

KCCC/NGS Laboratory, Kuwait Cancer Control Center
Classification: Benign for Familial cutaneous telangiectasia and oropharyngeal predisposition cancer syndrome. Last evaluated: 2023-07-07. Review status: criteria provided, single submitter. Criteria: ACMG Guidelines, 2015. Collection method: clinical testing. Allele origin: germline. Affected: yes.

Genome-Nilou Lab
Classification: Benign for Seckel syndrome 1. Last evaluated: 2023-02-08. Review status: criteria provided, single submitter. Criteria: ACMG Guidelines, 2015. Collection method: clinical testing. Allele origin: germline.

Genome-Nilou Lab
Classification: Benign for Familial cutaneous telangiectasia and oropharyngeal predisposition cancer syndrome. Last evaluated: 2023-02-08. Review status: criteria provided, single submitter. Criteria: ACMG Guidelines, 2015. Collection method: clinical testing. Allele origin: germline.

Illumina Laboratory Services, Illumina
Classification: Benign for Seckel syndrome 1. Last evaluated: 2018-01-13. Review status: criteria provided, single submitter. Criteria: ICSL Variant Classification Criteria 13 December 2019. Collection method: clinical testing. Allele origin: germline.
Comment: This variant was observed in the ICSL laboratory as part of a predisposition screen in an ostensibly healthy population. It had not been previously curated by ICSL or reported in the Human Gene Mutation Database (HGMD: prior to June 1st, 2018), and was therefore a candidate for classification through an automated scoring system. Utilizing variant allele frequency, disease prevalence and penetrance estimates, and inheritance mode, an automated score was calculated to assess if this variant is too frequent to cause the disease. Based on the score and internal cut-off values, a variant classified as benign is not then subjected to further curation. The score for this variant resulted in a classification of benign for this disease.

GeneDx
Classification: Benign. Last evaluated: 2013-12-18. Review status: criteria provided, single submitter. Criteria: GeneDx Variant Classification (06012015). Collection method: clinical testing. Allele origin: germline. Affected: yes.
Comment: This variant is considered likely benign or benign based on one or more of the following criteria: it is a conservative change, it occurs at a poorly conserved position in the protein, it is predicted to be benign by multiple in silico algorithms, and/or has population frequency not consistent with disease.

Genetic Services Laboratory, University of Chicago
Classification: Likely benign. Last evaluated: 2013-04-25. Review status: criteria provided, single submitter. Criteria: ACMG Guidelines, 2007. Collection method: clinical testing. Allele origin: germline. Inheritance: Autosomal recessive inheritance.
Comment: Likely benign based on allele frequency in 1000 Genomes Project or ESP global frequency and its presence in a patient with a rare or unrelated disease phenotype. NOT Sanger confirmed

Breakthrough Genomics
Classification: Likely benign. Review status: criteria provided, single submitter. Criteria: ACMG Guidelines, 2015. Collection method: not provided. Allele origin: germline. Inheritance: Autosomal recessive inheritance. Affected: yes.

NM_001184.4(ATR):c.5460T>C (p.Tyr1820=)

Gene: ATR (ATR checkpoint kinase; minus strand). Cytogenetic location: 3q23.
Variant type: single nucleotide variant.
Coding change: c.5460T>C on transcript NM_001184.4 (MANE Select); coding-DNA position 5460, T replaced by C.
Protein change: p.Tyr1820=; no amino-acid change (tyrosine 1820 retained).
Molecular consequence: synonymous variant.
Genome position (GRCh38, 1-based): chr3:142,498,695, A>G on the plus strand (T>C on the coding strand, the complement: ATR is on the minus strand). VCF-style: chr3-142498695-A-G. GRCh37 (hg19) VCF-style: chr3-142217537-A-G.
Other names: p.Y1820Y:TAT>TAC; c.5268T>C, p.Tyr1756= (NM_001354579.2).
Identifiers: ClinVar variation 136471 (VCV000136471.22), dbSNP rs2227932, ClinGen allele CA171370.